The following is an entry in ClinVar:

NM_017872.5(THG1L):c.164T>C (p.Val55Ala)

Genes: THG1L (tRNA-histidine guanylyltransferase 1 like; plus strand), LOC129995144 (ATAC-STARR-seq lymphoblastoid active region 23531; plus strand). Cytogenetic location: 5q33.3.
Variant type: single nucleotide variant.
Coding change: c.164T>C on transcript NM_017872.5 (MANE Select); coding-DNA position 164, T replaced by C.
Protein change: p.Val55Ala; replaces valine 55 with alanine.
Molecular consequence: missense variant. On other transcripts: 5 prime UTR variant (2).
Genome position (GRCh38, 1-based): chr5:157,731,604, T>C. VCF-style: chr5-157731604-T-C. GRCh37 (hg19) VCF-style: chr5-157158612-T-C.
Other names: c.-138T>C (NM_001317824.2); c.-208T>C (NM_001317825.2); short protein forms V55A.
Identifiers: ClinVar variation 441070 (VCV000441070.13), dbSNP rs201920319, ClinGen allele CA3536327.

ClinVar aggregate classification (germline): Pathogenic/Likely pathogenic. Review status: criteria provided, multiple submitters, no conflicts (2 of 4 stars). 7 submissions from 7 submitters: Pathogenic (3); Likely pathogenic (3). 1 of the submissions does not count toward it. Last evaluated 2026-03-02.

Conditions:
Spinocerebellar ataxia, autosomal recessive 28. Identifiers: MedGen C5394101, MONDO:0032923, OMIM 618800.
THG1L-related disorder. Also called: THG1L-related condition. Identifiers: MedGen CN382228, MONDO:1060243.

Allele frequency attached by ClinVar (database versions not stated): TOPMed 0.00011; gnomAD 0.00012; ESP Exome Variant Server 0.00015; ExAC 0.00017; gnomAD exomes 0.00009 and 0.00021.
gnomAD v4.1: 160 of 1,600,648 alleles (0.01%); highest among the groups gnomAD compares: Non-Finnish European, 0.002%; no homozygotes.

Submissions (7):

Institute of Human Genetics, University of Leipzig Medical Center
Classification: Pathogenic for Spinocerebellar ataxia, autosomal recessive 28. Last evaluated: 2026-03-02. Review status: criteria provided, single submitter. Criteria: ACMG Guidelines, 2015. Collection method: clinical testing. Allele origin: paternal. Inheritance: Autosomal recessive inheritance. Affected: yes.
Comment: Criteria applied: PM3_STR,PP1_STR,PM2,PS3_SUP

Women's Health and Genetics/Laboratory Corporation of America, LabCorp
Classification: Pathogenic for Spinocerebellar ataxia, autosomal recessive 28. Last evaluated: 2025-01-27. Review status: criteria provided, single submitter. Criteria: LabCorp Variant Classification Summary - May 2015. Collection method: clinical testing. Allele origin: germline.
Comment: Variant summary: THG1L c.164T>C (p.Val55Ala) results in a non-conservative amino acid change located in the tRNAHis guanylyltransferase catalytic domain (IPR024956) of the encoded protein sequence. Four of five in-silico tools predict a damaging effect of the variant on protein function. The variant allele was found at a frequency of 0.00021 in 241352 control chromosomes in gnomAD and is found predominately in the Ashkenazi Jewish sub-population at a frequency of 0.0045, although notably, no homozygotes are reported in this dataset. The overall frequency is not significantly higher than estimated for a pathogenic variant in THG1L causing Spinocerebellar Ataxia, Autosomal Recessive 28, allowing no conclusion about variant significance. c.164T>C has been reported in the literature in multiple homozygous individuals of Ashkenazi Jewish ancestry affected with cerebellar ataxia where it segregated with the disease phenotype in at least one family and it has also been reported in the compound heterozygous state in at least one similarly affected individual of Brazilian descent (e.g. Edvardson_2016, Walker_2019, Raslan_2024). These data indicate that the variant is very likely to be associated with disease. The following publications have been ascertained in the context of this evaluation (PMID: 38681507, 27307223, 31168944). ClinVar contains an entry for this variant (Variation ID: 441070). Based on the evidence outlined above, the variant was classified as pathogenic.

Rady Children's Institute for Genomic Medicine, Rady Children's Hospital San Diego
Classification: Pathogenic for THG1L-related disorder. Last evaluated: 2024-01-22. Review status: criteria provided, single submitter. Criteria: ACMG Guidelines, 2015. Collection method: clinical testing. Allele origin: germline. Affected: yes.
Comment: The c.164T>C (p.Val55Ala) variant affects a highly conserved amino acid and is predicted by multiple in silico tools to have a deleterious effect on protein function. This variant has been previously reported as a compound heterozygous and homozygous change in patients with THG1L-related disorder (PMID: 27307223, 31168944, 32523032, 33682303). Abnormal mitochondrial morphology and localization was observed in fibroblasts from patients carrying homozygous c.164T>C (p.Val55Ala) variants in the THG1L gene (PMID: 27307223). Additionally, the growth defect in Thg1-deficient yeast strain could be rescued by wild type yeast thg1 or human THG1L enzymes, but to a lesser extent by the human Val55Ala-containing THG1L or the homologous yeast Val26Ala-containing Thg1 enzyme (PMID: 27307223). The c.164T>C (p.Val55Ala) variant is present in the heterozygous state in the gnomAD v4 population database at a frequency of 0.01% (160/1600648), and is absent in the homozygous state, thus is presumed to be rare. The allele frequency in the Ashkenazi Jewish population is 0.4% (122/29332), suggesting a founder effect (PMID: 33682303). Based on the available evidence, c.164T>C (p.Val55Ala) is classified as Pathogenic.

Revvity Omics, Revvity
Classification: Likely pathogenic for Spinocerebellar ataxia, autosomal recessive 28. Last evaluated: 2023-03-30. Review status: criteria provided, single submitter. Criteria: ACMG Guidelines, 2015. Collection method: clinical testing. Allele origin: germline.

Department of Pathology and Laboratory Medicine, Sinai Health System
Classification: Likely pathogenic for Spinocerebellar ataxia, autosomal recessive 28. Last evaluated: 2022-09-15. Review status: criteria provided, single submitter. Criteria: ACMG Guidelines, 2015. Collection method: research. Allele origin: germline.

Genetic Services Laboratory, University of Chicago
Classification: Likely pathogenic. Last evaluated: 2021-09-23. Review status: criteria provided, single submitter. Criteria: ACMG Guidelines, 2015. Collection method: clinical testing. Allele origin: germline. Affected: yes.
Comment: DNA sequence analysis of the THG1L gene demonstrated a sequence change, c.164T>C, in exon 1 that results in an amino acid change, p.Val55Ala. This sequence change has been described in the gnomAD database with a frequency of 0.45% in the Ashkenazi Jewish subpopulation (dbSNP rs201920319). This sequence change has been previously described in the homozygous state in two Ashkenazi Jewish individuals and an Ashkenazi Jewish family with THG1L-related disorder (PMIDs: 27307223, 31168944) where the variant segregated with the disease phenotype. The p.Val55Ala change affects a highly conserved amino acid residue located in a domain of the THG1L protein that is known to be functional. The p.Val55Ala substitution appears to be deleterious using several in-silico pathogenicity prediction tools (SIFT, PolyPhen2, Align GVGD, CADD). Functional studies show p.Val55Ala disrupts mitochondrial function and causes abnormal mitochondrial fragmentation (PMID: 27307223). Collectively this evidence suggests p.Val55Ala is likely pathogenic.

OMIM
Classification: Pathogenic for SPINOCEREBELLAR ATAXIA, AUTOSOMAL RECESSIVE 28. Last evaluated: 2020-03-12. Review status: no assertion criteria provided. Collection method: literature only. Allele origin: germline. Not counted in ClinVar's aggregate classification.

Literature cited by the submitters: PubMed 27307223 (cited by Women's Health and Genetics/Laboratory Corporation of America, LabCorp and OMIM); PubMed 38681507 (cited by Women's Health and Genetics/Laboratory Corporation of America, LabCorp); PubMed 31168944 (cited by Women's Health and Genetics/Laboratory Corporation of America, LabCorp); PubMed 1168944 (cited by OMIM); Hamosh, A. Personal Communication. 2020. Baltimore, Md. (cited by OMIM).